The following is an entry in ClinVar:

NM_172362.3(KCNH1):c.2532C>T (p.Cys844=)

Gene: KCNH1 (potassium voltage-gated channel subfamily H member 1; minus strand). Cytogenetic location: 1q32.2.
Variant type: single nucleotide variant.
Coding change: c.2532C>T on transcript NM_172362.3 (MANE Select); coding-DNA position 2532, C replaced by T.
Protein change: p.Cys844=; no amino-acid change (cysteine 844 retained).
Molecular consequence: synonymous variant.
Genome position (GRCh38, 1-based): chr1:210,683,719, G>A on the plus strand (C>T on the coding strand, the complement: KCNH1 is on the minus strand). VCF-style: chr1-210683719-G-A. GRCh37 (hg19) VCF-style: chr1-210857061-G-A.
Other names: c.2451C>T, p.Cys817= (NM_002238.4).
Identifiers: ClinVar variation 1262610 (VCV001262610.34), dbSNP rs200699122, ClinGen allele CA1379638.
Genomic context (GRCh38, chr1:210,683,719, plus strand): 5'-CTCGGGAAGTGTCTCCATCGACTCAGCCTTGGACACCTTGTTCCAGTCCTCACTCTTCCC[G>A]CAAGCATCTTTGAAGCGGGCCCAGCTTTTGCGCTTGGCACAATCGCCCCCGCCCCCCTTG-3'
Protein context (NP_758872.1, residues 834-854): RKSWARFKDA[Cys844=]GKSEDWNKVS

ClinVar aggregate classification (germline): Benign/Likely benign. Review status: criteria provided, multiple submitters, no conflicts (2 of 4 stars). 4 submissions from 4 submitters: Benign (2); Likely benign (2). Last evaluated 2026-01-01.

Allele frequency attached by ClinVar (database versions not stated): TOPMed 0.00006; 1000 Genomes Project 30x 0.00016; gnomAD exomes 0.00019 and 0.00037; 1000 Genomes Project 0.00020; gnomAD 0.00022 and 0.00024; ExAC 0.00031.
gnomAD v4.1: 322 of 1,614,132 alleles (0.02%); highest among the groups gnomAD compares: Middle Eastern, 0.016%; 1 homozygote.

Submissions (4):

Labcorp Genetics (formerly Invitae), Labcorp
Classification: Benign. Last evaluated: 2026-01-01. Review status: criteria provided, single submitter. Criteria: Invitae Variant Classification Sherloc (09022015). Collection method: clinical testing. Allele origin: germline.

Blueprint Genetics
Classification: Likely benign. Last evaluated: 2024-11-08. Review status: criteria provided, single submitter. Criteria: ACMG Guidelines, 2015. Collection method: clinical testing. Allele origin: germline.

CeGaT Center for Human Genetics Tuebingen
Classification: Likely benign. Last evaluated: 2022-08-01. Review status: criteria provided, single submitter. Criteria: CeGaT Center For Human Genetics Tuebingen Variant Classification Criteria Version 2. Collection method: clinical testing. Allele origin: germline. Affected: yes. Observed: 1 variant allele.
Comment: KCNH1: BP4, BP7

GeneDx
Classification: Benign. Last evaluated: 2019-06-03. Review status: criteria provided, single submitter. Criteria: GeneDx Variant Classification Process June 2021. Collection method: clinical testing. Allele origin: germline. Affected: yes.